The following is an entry in ClinVar:

ClinVar aggregate classification (germline): Uncertain significance (1 of 4 stars; one submission).

Conditions:
Charcot-Marie-Tooth disease type 2. Also called: Charcot-Marie-Tooth type 2. Identifiers: Orphanet 64746, MedGen C0270914, MONDO:0018993.

Allele frequency attached by ClinVar (database versions not stated): gnomAD exomes below 0.00001.
gnomAD v4.1: 1 of 1,614,236 alleles (0.000062%); highest among the groups gnomAD compares: Non-Finnish European, 0.000085%; no homozygotes.

Submission:

Labcorp Genetics (formerly Invitae), Labcorp
Classification: Uncertain significance for Charcot-Marie-Tooth disease type 2. Last evaluated: 2021-10-28. Review status: criteria provided, single submitter. Criteria: Invitae Variant Classification Sherloc (09022015). Collection method: clinical testing. Allele origin: germline.
Comment: In summary, the available evidence is currently insufficient to determine the role of this variant in disease. Therefore, it has been classified as a Variant of Uncertain Significance. Advanced modeling of protein sequence and biophysical properties (such as structural, functional, and spatial information, amino acid conservation, physicochemical variation, residue mobility, and thermodynamic stability) performed at Invitae indicates that this missense variant is not expected to disrupt MFN2 protein function. This variant has not been reported in the literature in individuals affected with MFN2-related conditions. This variant is not present in population databases (gnomAD no frequency). This sequence change replaces glutamic acid, which is acidic and polar, with glycine, which is neutral and non-polar, at codon 708 of the MFN2 protein (p.Glu708Gly).

NM_014874.4(MFN2):c.2123A>G (p.Glu708Gly)

Gene: MFN2 (mitofusin 2; plus strand). Cytogenetic location: 1p36.22.
Variant type: single nucleotide variant.
Coding change: c.2123A>G on transcript NM_014874.4 (MANE Select); coding-DNA position 2123, A replaced by G.
Protein change: p.Glu708Gly; replaces glutamic acid 708 with glycine.
Molecular consequence: missense variant.
Genome position (GRCh38, 1-based): chr1:12,009,645, A>G. VCF-style: chr1-12009645-A-G. GRCh37 (hg19) VCF-style: chr1-12069702-A-G.
Other names: c.2123A>G, p.Glu708Gly (NM_001127660.2); short protein forms E708G.
Identifiers: ClinVar variation 1390947 (VCV001390947.6), dbSNP rs1557537210, ClinGen allele CA338453107.